The following is an entry in ClinVar:

NM_006231.4(POLE):c.5765_5766del (p.Tyr1922fs)

Gene: POLE (DNA polymerase epsilon, catalytic subunit; minus strand). Cytogenetic location: 12q24.33.
Variant type: Deletion.
Coding change: c.5765_5766del on transcript NM_006231.4 (MANE Select); coding-DNA positions 5765 to 5766, 2 bases deleted (AT; older notation c.5765_5766delAT).
Protein change: p.Tyr1922fs; shifts the reading frame from tyrosine 1922.
Molecular consequence: frameshift variant.
Genome position (GRCh38, 1-based): chr12:132,635,937-132,635,938, AT deleted on the plus strand (AT on the coding strand, the reverse complement: POLE is on the minus strand); deleting any 2 consecutive bases within chr12:132,635,937-132,635,939 gives the same sequence; the c. name uses the placement nearest the transcript's 3' end. VCF-style (leftmost placement, unchanged base first): chr12-132635936-CAT-C. GRCh37 (hg19) VCF-style: chr12-133212522-CAT-C.
Other names: short protein forms Y1922fs.
Identifiers: ClinVar variation 2838107 (VCV002838107.3), dbSNP rs2541863349, ClinGen allele CA2622047111.
Genomic context (GRCh38, chr12:132,635,936, plus strand): 5'-ACTGCAGCTCGCTTACCAGTCCACAGTGAATACGAGATGAAACTTTTCCTTTGATTCCGC[CAT>C]AGTTAGATGGATCCATCCAGAGAAGAAATTCCCAGCATCGAGAGAAAGAAATTGTCAGAG-3'

ClinVar aggregate classification (germline): Pathogenic (1 of 4 stars; one submission).

Submission:

Labcorp Genetics (formerly Invitae), Labcorp
Classification: Pathogenic. Last evaluated: 2023-02-16. Review status: criteria provided, single submitter. Criteria: Invitae Variant Classification Sherloc (09022015). Collection method: clinical testing. Allele origin: germline.
Comment: This sequence change creates a premature translational stop signal (p.Tyr1922Trpfs*27) in the POLE gene. It is expected to result in an absent or disrupted protein product. Loss-of-function variants in POLE are known to be pathogenic (PMID: 23230001, 25948378, 30503519). For these reasons, this variant has been classified as Pathogenic. This variant has not been reported in the literature in individuals affected with POLE-related conditions. This variant is not present in population databases (gnomAD no frequency).

Literature cited by the submitters: PubMed 23230001; PubMed 25948378; PubMed 30503519.